The following is an entry in ClinVar:

NM_012291.5(ESPL1):c.1327G>T (p.Gly443Cys)

Gene: ESPL1 (extra spindle pole bodies like 1, separase; plus strand). Cytogenetic location: 12q13.13.
Variant type: single nucleotide variant.
Coding change: c.1327G>T on transcript NM_012291.5 (MANE Select); coding-DNA position 1327, G replaced by T.
Protein change: p.Gly443Cys; replaces glycine 443 with cysteine.
Molecular consequence: missense variant.
Genome position (GRCh38, 1-based): chr12:53,270,756, G>T. VCF-style: chr12-53270756-G-T. GRCh37 (hg19) VCF-style: chr12-53664540-G-T.
Other names: short protein forms G443C.
Identifiers: ClinVar variation 2389060 (VCV002389060.3), dbSNP rs2498470805, ClinGen allele CA385050067.
Genomic context (GRCh38, chr12:53,270,756, plus strand): 5'-CTGACCCAACTAGTGGACAGTTGTAAATCTACCGTTGTCTGGATGCTGGAGGCCTTAGAG[G>T]GCCTGTCGGGCCAAGAGCTGACGGACCACATGGGGATGACCGGTTAGTGCCCTGGGTCCC-3'
Protein context (NP_036423.4, residues 433-453): TVVWMLEALE[Gly443Cys]LSGQELTDHM

ClinVar aggregate classification (germline): Uncertain significance. Review status: criteria provided, multiple submitters, no conflicts (2 of 4 stars). 2 submissions from 2 submitters: Uncertain significance (2). Last evaluated 2026-08-21.

Conditions:
ESPL1-related disorder. Also called: ESPL1-related condition.

Submissions (2):

PreventionGenetics, part of Exact Sciences
Classification: Uncertain significance for ESPL1-related condition. Last evaluated: 2026-08-21. Review status: criteria provided, single submitter. Criteria: ACMG Guidelines, 2015. Collection method: clinical testing. Allele origin: germline.
Comment: The ESPL1 c.1327G>T variant is predicted to result in the amino acid substitution p.Gly443Cys. To our knowledge, this variant has not been reported in the literature or in a large population database (gnomAD), indicating this variant is rare. At this time, the clinical significance of this variant is uncertain due to the absence of conclusive functional and genetic evidence.

Ambry Genetics
Classification: Uncertain significance. Last evaluated: 2022-08-30. Review status: criteria provided, single submitter. Criteria: Ambry Variant Classification Scheme 2023. Collection method: clinical testing. Allele origin: germline.